The following is an entry in ClinVar:

ClinVar aggregate classification (germline): Likely benign. Review status: criteria provided, multiple submitters, no conflicts (2 of 4 stars). 2 submissions from 2 submitters: Likely benign (2). Last evaluated 2025-03-24.

Conditions:
DNMT1-related disorder. Also called: DNMT1-related condition. Identifiers: MedGen CN381527.
Hereditary sensory neuropathy-deafness-dementia syndrome. Also called: Hereditary Sensory and Autonomic Neuropathy Type 1E (HSAN1E); HSN IE; Hereditary sensory neuropathy type IE; NEUROPATHY, HEREDITARY SENSORY, WITH HEARING LOSS AND DEMENTIA. Identifiers: Orphanet 456318, MedGen C3279885, MONDO:0013584, OMIM 614116.

Allele frequency attached by ClinVar (database versions not stated): gnomAD 0.00001; gnomAD exomes 0.00001 and 0.00004; TOPMed 0.00004.
gnomAD v4.1: 59 of 1,613,356 alleles (0.0037%); highest among the groups gnomAD compares: Non-Finnish European, 0.0047%; no homozygotes.

Submissions (2):

PreventionGenetics, part of Exact Sciences
Classification: Likely benign for DNMT1-related condition. Last evaluated: 2025-03-24. Review status: criteria provided, single submitter. Criteria: ACMG Guidelines, 2015. Collection method: clinical testing. Allele origin: germline.
Comment: This variant is classified as likely benign based on ACMG/AMP sequence variant interpretation guidelines (Richards et al. 2015 PMID: 25741868, with internal and published modifications).

Labcorp Genetics (formerly Invitae), Labcorp
Classification: Likely benign for Hereditary sensory neuropathy-deafness-dementia syndrome. Last evaluated: 2024-08-28. Review status: criteria provided, single submitter. Criteria: Invitae Variant Classification Sherloc (09022015). Collection method: clinical testing. Allele origin: germline.

NM_001130823.3(DNMT1):c.569+10C>T

Gene: DNMT1 (DNA methyltransferase 1; minus strand). Cytogenetic location: 19p13.2.
Variant type: single nucleotide variant.
Coding change: c.569+10C>T on transcript NM_001130823.3 (MANE Select); 10 bases into the intron after coding-DNA position 569, C replaced by T.
Molecular consequence: intron variant.
Genome position (GRCh38, 1-based): chr19:10,177,282, G>A on the plus strand (C>T on the coding strand, the complement: DNMT1 is on the minus strand). VCF-style: chr19-10177282-G-A. GRCh37 (hg19) VCF-style: chr19-10287958-G-A.
Other names: c.569+10C>T (LRG_362t1, NM_001130823.2); c.206+10C>T (NM_001318731.2); c.521+10C>T (NM_001379.4, NM_001318730.2).
Identifiers: ClinVar variation 472280 (VCV000472280.12), dbSNP rs781605215, ClinGen allele CA305181248.